The following is an entry in ClinVar:

NM_000455.5(STK11):c.863-11C>T

Gene: STK11 (serine/threonine kinase 11; plus strand). Cytogenetic location: 19p13.3.
Variant type: single nucleotide variant.
Coding change: c.863-11C>T on transcript NM_000455.5 (MANE Select); 11 bases into the intron before coding-DNA position 863, C replaced by T.
Molecular consequence: intron variant.
Genome position (GRCh38, 1-based): chr19:1,221,938, C>T. VCF-style: chr19-1221938-C-T. GRCh37 (hg19) VCF-style: chr19-1221937-C-T.
Identifiers: ClinVar variation 1635146 (VCV001635146.9), dbSNP rs2145428564, ClinGen allele CA2573155772.
Genomic context (GRCh38, chr19:1,221,938, plus strand): 5'-GCAGGCGGGGACGGTTGGTGGGGTCTCAGGCCTGTGCCCAGCTGACAGGCTCCTCGCCGG[C>T]TTCTCCTCAGGGATGCTTGAGTACGAACCGGCCAAGAGGTTCTCCATCCGGCAGATCCGG-3'

ClinVar aggregate classification (germline): Likely benign. Review status: criteria provided, multiple submitters, no conflicts (2 of 4 stars). 2 submissions from 2 submitters: Likely benign (2). Last evaluated 2025-03-27.

Conditions:
Peutz-Jeghers syndrome (PJS). Also called: Peutz-Jeghers polyposis; Periorificial lentiginosis syndrome; POLYPOSIS, HAMARTOMATOUS INTESTINAL; POLYPS-AND-SPOTS SYNDROME. Identifiers: Orphanet 2869, MedGen C0031269, MeSH D010580, MONDO:0008280, OMIM 175200.

Submissions (2):

Myriad Genetics, Inc.
Classification: Likely benign for Peutz-Jeghers syndrome. Last evaluated: 2025-03-27. Review status: criteria provided, single submitter. Criteria: Myriad Autosomal Dominant, Autosomal Recessive and X-Linked Classification Criteria (2023). Collection method: clinical testing. Allele origin: unknown.
Comment: This variant is considered likely benign. This variant is intronic and is not expected to impact mRNA splicing.

Labcorp Genetics (formerly Invitae), Labcorp
Classification: Likely benign for Peutz-Jeghers syndrome. Last evaluated: 2021-05-18. Review status: criteria provided, single submitter. Criteria: Invitae Variant Classification Sherloc (09022015). Collection method: clinical testing. Allele origin: germline.